The following is an entry in ClinVar:

NM_000038.6(APC):c.5084G>A (p.Arg1695Lys)

Gene: APC (APC regulator of Wnt signaling pathway; plus strand). Cytogenetic location: 5q22.2.
Variant type: single nucleotide variant.
Coding change: c.5084G>A on transcript NM_000038.6 (MANE Select); coding-DNA position 5084, G replaced by A.
Protein change: p.Arg1695Lys; replaces arginine 1695 with lysine.
Molecular consequence: missense variant. On other transcripts: non-coding transcript variant (2).
Genome position (GRCh38, 1-based): chr5:112,840,678, G>A. VCF-style: chr5-112840678-G-A. GRCh37 (hg19) VCF-style: chr5-112176375-G-A.
Other names: c.5084G>A (NM_000038.5); c.5084G>A, p.Arg1695Lys (NM_001127510.3, NM_001354895.2, NM_001407450.1); c.5030G>A, p.Arg1677Lys (NM_001127511.3); c.5138G>A, p.Arg1713Lys (NM_001354896.2, NM_001407447.1, NM_001407448.1 and 1 more transcripts); c.5114G>A, p.Arg1705Lys (NM_001354897.2); c.5009G>A, p.Arg1670Lys (NM_001354898.2); c.5000G>A, p.Arg1667Lys (NM_001354899.2); c.4961G>A, p.Arg1654Lys (NM_001354900.2); and 12 more; short protein forms R1311K, R1667K, R1705K, R1713K, R1723K, R1412K, R1566K, R1695K.
Identifiers: ClinVar variation 2757240 (VCV002757240.4), dbSNP rs2149931607, ClinGen allele CA16032444.

ClinVar aggregate classification (germline): Uncertain significance. Review status: criteria provided, multiple submitters, no conflicts (2 of 4 stars). 2 submissions from 2 submitters: Uncertain significance (2). Last evaluated 2025-03-16.

Conditions:
Familial adenomatous polyposis 1 (FAP1). Also called: POLYPOSIS, ADENOMATOUS INTESTINAL; FAMILIAL ADENOMATOUS POLYPOSIS 1, ATTENUATED. Identifiers: MedGen C2713442, MONDO:0021056, OMIM 175100. Disease mechanism: loss of function.
Hereditary cancer-predisposing syndrome. Also called: Neoplastic Syndromes, Hereditary; Hereditary Cancer Syndrome; Hereditary neoplastic syndrome; Tumor predisposition. Identifiers: Orphanet 140162, MedGen C0027672, MeSH D009386, MONDO:0015356.

Submissions (2):

Ambry Genetics
Classification: Uncertain significance for Hereditary cancer-predisposing syndrome. Last evaluated: 2025-03-16. Review status: criteria provided, single submitter. Criteria: Ambry Variant Classification Scheme 2023. Collection method: clinical testing. Allele origin: germline.
Comment: The p.R1695K variant (also known as c.5084G>A), located in coding exon 15 of the APC gene, results from a G to A substitution at nucleotide position 5084. The arginine at codon 1695 is replaced by lysine, an amino acid with highly similar properties. This amino acid position is conserved. In addition, in silico predictors for this gene do not accurately predict pathogenicity. Based on the available evidence, the clinical significance of this variant remains unclear.

Labcorp Genetics (formerly Invitae), Labcorp
Classification: Uncertain significance for Familial adenomatous polyposis 1. Last evaluated: 2023-09-01. Review status: criteria provided, single submitter. Criteria: Invitae Variant Classification Sherloc (09022015). Collection method: clinical testing. Allele origin: germline.
Comment: This variant is not present in population databases (gnomAD no frequency). In summary, the available evidence is currently insufficient to determine the role of this variant in disease. Therefore, it has been classified as a Variant of Uncertain Significance. Advanced modeling of protein sequence and biophysical properties (such as structural, functional, and spatial information, amino acid conservation, physicochemical variation, residue mobility, and thermodynamic stability) performed at Invitae indicates that this missense variant is not expected to disrupt APC protein function. This variant has not been reported in the literature in individuals affected with APC-related conditions. This sequence change replaces arginine, which is basic and polar, with lysine, which is basic and polar, at codon 1695 of the APC protein (p.Arg1695Lys).